The following is an entry in ClinVar:

ClinVar aggregate classification (germline): Likely pathogenic. Review status: criteria provided, multiple submitters, no conflicts (2 of 4 stars). 2 submissions from 2 submitters: Likely pathogenic (2). Last evaluated 2026-01-24.

Conditions:
AGMO-related Neurodevelopmental disorder.

Submissions (2):

GeneDx
Classification: Likely pathogenic. Last evaluated: 2026-01-24. Review status: criteria provided, single submitter. Criteria: GeneDx Variant Classification Process June 2021. Collection method: clinical testing. Allele origin: germline. Affected: yes.
Comment: Observed with a variant of uncertain signifcance on the opposite allele (in trans) in published literature (PMID: 31555905); Published functional studies demonstrate a damaging effect with loss of enzymatic activity (PMID: 31555905); In-frame deletion of 1 amino acid(s) in a non-repeat region; In silico analysis supports a deleterious effect on protein structure/function; This variant is associated with the following publications: (PMID: 31555905)

3billion
Classification: Likely pathogenic for AGMO-related neurodevelopmental disorder. Last evaluated: 2025-03-07. Review status: criteria provided, single submitter. Criteria: ACMG Guidelines, 2015. Collection method: clinical testing. Allele origin: germline. Affected: yes.

Literature cited by the submitters: PubMed 31555905 (cited by 3billion).

NM_001004320.2(AGMO):c.706_708del (p.Tyr236del)

Gene: AGMO (alkylglycerol monooxygenase; minus strand). Cytogenetic location: 7p21.2.
Variant type: Deletion.
Coding change: c.706_708del on transcript NM_001004320.2 (MANE Select); coding-DNA positions 706 to 708, 3 bases deleted (TAT; older notation c.706_708delTAT).
Protein change: p.Tyr236del; deletes tyrosine 236.
Molecular consequence: inframe deletion.
Genome position (GRCh38, 1-based): chr7:15,390,874-15,390,876, ATA deleted on the plus strand (TAT on the coding strand, the reverse complement: AGMO is on the minus strand); deleting any 3 consecutive bases within chr7:15,390,874-15,390,878 gives the same sequence; the c. name uses the placement nearest the transcript's 3' end. VCF-style (leftmost placement, unchanged base first): chr7-15390873-CATA-C. GRCh37 (hg19) VCF-style: chr7-15430498-CATA-C.
Other names: c.706_708del (NM_001004320.1); short protein forms Y236del.
Identifiers: ClinVar variation 1180394 (VCV001180394.4), dbSNP rs767457600, ClinGen allele CA4168630.